The following is an entry in ClinVar:

NM_000093.5(COL5A1):c.2134-4G>T

Gene: COL5A1 (collagen type V alpha 1 chain; plus strand). Cytogenetic location: 9q34.3.
Variant type: single nucleotide variant.
Coding change: c.2134-4G>T on transcript NM_000093.5 (MANE Select); 4 bases into the intron before coding-DNA position 2134, G replaced by T.
Molecular consequence: intron variant.
Genome position (GRCh38, 1-based): chr9:134,766,996, G>T. VCF-style: chr9-134766996-G-T. GRCh37 (hg19) VCF-style: chr9-137658842-G-T.
Other names: c.2134-4G>T (NM_001278074.1).
Identifiers: ClinVar variation 2966727 (VCV002966727.4), dbSNP rs767497080, ClinGen allele CA5319184.

ClinVar aggregate classification (germline): Conflicting classifications of pathogenicity. Review status: criteria provided, conflicting classifications (1 of 4 stars). 2 submissions from 2 submitters: Uncertain significance (1); Likely benign (1). Last evaluated 2024-11-11.

Conditions:
Ehlers-Danlos syndrome, classic type, 1 (EDSCL1). Also called: EDS I; EHLERS-DANLOS SYNDROME, GRAVIS TYPE; EHLERS-DANLOS SYNDROME, SEVERE CLASSIC TYPE; Ehlers-Danlos syndrome, type 1; Ehlers-Danlos Syndrome, Classic Type, COL5A1-Related. Identifiers: MedGen C0268335, MONDO:0019567, OMIM 130000.

Allele frequency attached by ClinVar (database versions not stated): ExAC 0.00001.
gnomAD v4.1: 4 of 1,613,582 alleles (0.00025%); highest among the groups gnomAD compares: South Asian, 0.0044%; no homozygotes.

Submissions (2):

Women's Health and Genetics/Laboratory Corporation of America, LabCorp
Classification: Uncertain significance. Last evaluated: 2024-11-11. Review status: criteria provided, single submitter. Criteria: LabCorp Variant Classification Summary - May 2015. Collection method: clinical testing. Allele origin: germline.
Comment: Variant summary: COL5A1 c.2134-4G>T alters a non-conserved nucleotide located close to a canonical splice site and therefore could affect mRNA splicing, leading to a significantly altered protein sequence. Consensus agreement among computation tools predict no significant impact on normal splicing. However, these predictions have yet to be confirmed by functional studies. The variant allele was found at a frequency of 8e-06 in 248742 control chromosomes. The available data on variant occurrences in the general population are insufficient to allow any conclusion about variant significance. To our knowledge, no occurrence of c.2134-4G>T in individuals affected with Ehlers-Danlos Syndrome and no experimental evidence demonstrating its impact on protein function have been reported. ClinVar contains an entry for this variant (Variation ID: 2966727). Based on the evidence outlined above, the variant was classified as uncertain significance.

Labcorp Genetics (formerly Invitae), Labcorp
Classification: Likely benign for Ehlers-Danlos syndrome, classic type, 1. Last evaluated: 2022-12-24. Review status: criteria provided, single submitter. Criteria: Invitae Variant Classification Sherloc (09022015). Collection method: clinical testing. Allele origin: germline.